The following is an entry in ClinVar:

ClinVar aggregate classification (germline): Pathogenic/Likely pathogenic. Review status: criteria provided, multiple submitters, no conflicts (2 of 4 stars). 3 submissions from 3 submitters: Pathogenic (1); Likely pathogenic (2). Last evaluated 2025-02-13.

Conditions:
Familial hypokalemia-hypomagnesemia (GTLMNS). Also called: gitelman syndrome; HYPOMAGNESEMIA-HYPOKALEMIA, PRIMARY RENOTUBULAR, WITH HYPOCALCIURIA; POTASSIUM AND MAGNESIUM DEPLETION. Identifiers: Orphanet 358, MedGen C0268450, MONDO:0009904, OMIM 263800.

Allele frequency attached by ClinVar (database versions not stated): ExAC 0.00001.
gnomAD v4.1: 4 of 1,609,954 alleles (0.00025%); highest among the groups gnomAD compares: Admixed American, 0.0017%; no homozygotes.

Submissions (3):

Labcorp Genetics (formerly Invitae), Labcorp
Classification: Pathogenic. Last evaluated: 2025-02-13. Review status: criteria provided, single submitter. Criteria: Invitae Variant Classification Sherloc (09022015). Collection method: clinical testing. Allele origin: germline.
Comment: This sequence change creates a premature translational stop signal (p.Cys396*) in the SLC12A3 gene. It is expected to result in an absent or disrupted protein product. Loss-of-function variants in SLC12A3 are known to be pathogenic (PMID: 20848653, 22009145, 25841442). The frequency data for this variant in the population databases is considered unreliable, as metrics indicate poor data quality at this position in the gnomAD database. This variant has not been reported in the literature in individuals affected with SLC12A3-related conditions. ClinVar contains an entry for this variant (Variation ID: 646369). For these reasons, this variant has been classified as Pathogenic.

Regional Center For Medical Genetics Timis, Louis Turcanu Emergency Hospital for Children Timisoara
Classification: Likely pathogenic for Familial hypokalemia-hypomagnesemia. Last evaluated: 2024-07-05. Review status: criteria provided, single submitter. Criteria: ACMG Guidelines, 2015. Collection method: research. Allele origin: germline. Affected: yes. Observed: 1 heterozygote.
Comment: This variant is present with low frequency healthy population databases (gnomAD v4.1.0 exomes, f = 0.000002485). This variant leads to premature stop codon occurrence and loss of function (LOF). SLC12A3-LOF variants are known to be pathogenic. Therefore, the variant was classified as likely pathogenic, according to ACMG 2015 guidelines. Of note, sequencing (clinical exome) was performed under the clinical suspicion of Bartter syndrome.

Women's Health and Genetics/Laboratory Corporation of America, LabCorp
Classification: Likely pathogenic for Familial hypokalemia-hypomagnesemia. Last evaluated: 2022-07-19. Review status: criteria provided, single submitter. Criteria: LabCorp Variant Classification Summary - May 2015. Collection method: clinical testing. Allele origin: germline.
Comment: Variant summary: SLC12A3 c.1188C>A (p.Cys396X) results in a premature termination codon, predicted to cause a truncation of the encoded protein or absence of the protein due to nonsense mediated decay, which are commonly known mechanisms for disease. Truncations downstream of this position have been classified as pathogenic in ClinVar (e.g. c.2505G>A (p.Trp835*), c.3025C>T (p.Arg1009*)) . The variant allele was found at a frequency of 4.1e-06 in 244578 control chromosomes (gnomAD). To our knowledge, no occurrence of c.1188C>A in individuals affected with Familial Hypokalemia-Hypomagnesemia and no experimental evidence demonstrating its impact on protein function have been reported. One clinical diagnostic laboratory has submitted an assessment for this variant to ClinVar after 2014 and classified the variant as pathogenic. Based on the evidence outlined above, the variant was classified as likely pathogenic.

Literature cited by the submitters: PubMed 20848653 (cited by Labcorp Genetics (formerly Invitae), Labcorp); PubMed 22009145 (cited by Labcorp Genetics (formerly Invitae), Labcorp); PubMed 25841442 (cited by Labcorp Genetics (formerly Invitae), Labcorp).

NM_001126108.2(SLC12A3):c.1188C>A (p.Cys396Ter)

Gene: SLC12A3 (solute carrier family 12 member 3; plus strand). Cytogenetic location: 16q13.
Variant type: single nucleotide variant.
Coding change: c.1188C>A on transcript NM_001126108.2 (MANE Select); coding-DNA position 1188, C replaced by A.
Protein change: p.Cys396Ter; replaces cysteine 396 with a stop codon.
Molecular consequence: nonsense.
Genome position (GRCh38, 1-based): chr16:56,879,080, C>A. VCF-style: chr16-56879080-C-A. GRCh37 (hg19) VCF-style: chr16-56912992-C-A.
Other names: c.1188C>A, p.Cys396Ter (NM_000339.3); c.1185C>A, p.Cys395Ter (NM_001126107.2); short protein forms C396*, C395*.
Identifiers: ClinVar variation 646369 (VCV000646369.9), dbSNP rs747139582, ClinGen allele CA8069391.
Genomic context (GRCh38, chr16:56,879,080, plus strand): 5'-GACAGAGTAAGGAGGGAAGGCAGACCTCCCCATGCTCTCCTTCCTCCTCTCAGGCTCCTG[C>A]GTGGTGCGTGATGCCTCTGGGGTCCTGAATGACACAGTGACCCCTGGCTGGGGTGCCTGC-3'